The following is an entry in ClinVar:

ClinVar aggregate classification (germline): Conflicting classifications of pathogenicity. Review status: criteria provided, conflicting classifications (1 of 4 stars). 2 submissions from 2 submitters: Uncertain significance (1); Likely benign (1). Last evaluated 2024-05-06.

gnomAD v4.1: 14 of 1,612,928 alleles (0.00087%); highest among the groups gnomAD compares: South Asian, 0.012%; no homozygotes.

Submissions (2):

Labcorp Genetics (formerly Invitae), Labcorp
Classification: Uncertain significance. Last evaluated: 2024-05-06. Review status: criteria provided, single submitter. Criteria: Invitae Variant Classification Sherloc (09022015). Collection method: clinical testing. Allele origin: germline.
Comment: This sequence change falls in intron 28 of the COL11A2 gene. It does not directly change the encoded amino acid sequence of the COL11A2 protein. This variant is not present in population databases (gnomAD no frequency). This variant has not been reported in the literature in individuals affected with COL11A2-related conditions. ClinVar contains an entry for this variant (Variation ID: 2147322). Algorithms developed to predict the effect of sequence changes on RNA splicing suggest that this variant may disrupt the consensus splice site. In summary, the available evidence is currently insufficient to determine the role of this variant in disease. Therefore, it has been classified as a Variant of Uncertain Significance.

Blueprint Genetics
Classification: Likely benign. Last evaluated: 2021-06-22. Review status: criteria provided, single submitter. Criteria: ACMG Guidelines, 2015. Collection method: clinical testing. Allele origin: germline.

NM_080680.3(COL11A2):c.2215-9C>A

Gene: COL11A2 (collagen type XI alpha 2 chain; minus strand). Cytogenetic location: 6p21.32.
Variant type: single nucleotide variant.
Coding change: c.2215-9C>A on transcript NM_080680.3 (MANE Select); 9 bases into the intron before coding-DNA position 2215, C replaced by A.
Molecular consequence: intron variant.
Genome position (GRCh38, 1-based): chr6:33,176,078, G>T on the plus strand (C>A on the coding strand, the complement: COL11A2 is on the minus strand). VCF-style: chr6-33176078-G-T. GRCh37 (hg19) VCF-style: chr6-33143855-G-T.
Other names: c.1894-9C>A (NM_080679.3); c.1957-9C>A (NM_080681.3).
Identifiers: ClinVar variation 2147322 (VCV002147322.4), dbSNP rs373659846, ClinGen allele CA824022938.